The following is an entry in ClinVar:

NM_015072.5(TTLL5):c.1043-3T>C

Gene: TTLL5 (tubulin tyrosine ligase like 5; plus strand). Cytogenetic location: 14q24.3.
Variant type: single nucleotide variant.
Coding change: c.1043-3T>C on transcript NM_015072.5 (MANE Select); 3 bases into the intron before coding-DNA position 1043, T replaced by C.
Molecular consequence: intron variant.
Genome position (GRCh38, 1-based): chr14:75,732,335, T>C. VCF-style: chr14-75732335-T-C. GRCh37 (hg19) VCF-style: chr14-76198678-T-C.
Identifiers: ClinVar variation 999772 (VCV000999772.6), dbSNP rs751364673, ClinGen allele CA7279226.

ClinVar aggregate classification (germline): Uncertain significance (1 of 4 stars; one submission).

Allele frequency attached by ClinVar (database versions not stated): ExAC 0.00001; gnomAD exomes 0.00001.
gnomAD v4.1: 7 of 1,613,252 alleles (0.00043%); highest among the groups gnomAD compares: South Asian, 0.0022%; no homozygotes.

Submission:

Labcorp Genetics (formerly Invitae), Labcorp
Classification: Uncertain significance. Last evaluated: 2022-02-05. Review status: criteria provided, single submitter. Criteria: Invitae Variant Classification Sherloc (09022015). Collection method: clinical testing. Allele origin: germline.
Comment: In summary, the available evidence is currently insufficient to determine the role of this variant in disease. Therefore, it has been classified as a Variant of Uncertain Significance. Variants that disrupt the consensus splice site are a relatively common cause of aberrant splicing (PMID: 17576681, 9536098). Algorithms developed to predict the effect of sequence changes on RNA splicing suggest that this variant is not likely to affect RNA splicing. ClinVar contains an entry for this variant (Variation ID: 999772). This variant has not been reported in the literature in individuals affected with TTLL5-related conditions. This variant is present in population databases (rs751364673, gnomAD 0.003%). This sequence change falls in intron 12 of the TTLL5 gene. It does not directly change the encoded amino acid sequence of the TTLL5 protein. It affects a nucleotide within the consensus splice site.

Literature cited by the submitters: PubMed 17576681; PubMed 9536098.